The following is an entry in ClinVar:

NM_001723.7(DST):c.5352A>G (p.Gln1784=)

Gene: DST (dystonin; minus strand). Cytogenetic location: 6p12.1.
Variant type: single nucleotide variant.
Coding change: c.5352A>G on transcript NM_001723.7 (MANE Plus Clinical); coding-DNA position 5352, A replaced by G.
Protein change: p.Gln1784=; no amino-acid change (glutamine 1784 retained).
Molecular consequence: synonymous variant. On other transcripts: intron variant (10).
Genome position (GRCh38, 1-based): chr6:56,618,682, T>C on the plus strand (A>G on the coding strand, the complement: DST is on the minus strand). VCF-style: chr6-56618682-T-C. GRCh37 (hg19) VCF-style: chr6-56483480-T-C.
Other names: c.4831-4198A>G (NM_001144769.5); c.4930-4198A>G (NM_001374722.1, NM_001374736.1); c.4957-4198A>G (NM_001374734.1); c.4417-4198A>G (NM_001144770.2); c.4297-4198A>G (NM_001374730.1, NM_001386100.1, NM_183380.4 and 1 more transcripts); c.3319-4198A>G (NM_015548.5).
Identifiers: ClinVar variation 767440 (VCV000767440.14), dbSNP rs116469100, ClinGen allele CA3870377.

ClinVar aggregate classification (germline): Likely benign. Review status: criteria provided, multiple submitters, no conflicts (2 of 4 stars). 3 submissions from 3 submitters: Likely benign (3). Last evaluated 2025-06-25.

Conditions:
Epidermolysis bullosa simplex 3, localized or generalized intermediate, with BP230 deficiency (EBS3). Also called: Epidermolysis bullosa simplex, autosomal recessive 2; Epidermolysis bullosa simplex due to BP230 deficiency. Identifiers: Orphanet 412181, MedGen C3809470, MONDO:0014180, OMIM 615425.
Hereditary sensory and autonomic neuropathy type 6. Also called: HSAN VI; Neuropathy, hereditary sensory and autonomic, type VI. Identifiers: Orphanet 314381, MedGen C3539003, MONDO:0013839, OMIM 614653.
DST-related disorder. Also called: DST-related condition; DST-related disorders.

Allele frequency attached by ClinVar (database versions not stated): gnomAD exomes 0.00004 and 0.00010; ExAC 0.00014; 1000 Genomes Project 30x 0.00031; gnomAD 0.00038 and 0.00039; 1000 Genomes Project 0.00040; ESP Exome Variant Server 0.00046; TOPMed 0.00065.
gnomAD v4.1: 122 of 1,613,844 alleles (0.0076%); highest among the groups gnomAD compares: African/African-American, 0.13%; no homozygotes.

Submissions (3):

Labcorp Genetics (formerly Invitae), Labcorp
Classification: Likely benign for Epidermolysis bullosa simplex 3, localized or generalized intermediate, with BP230 deficiency; Hereditary sensory and autonomic neuropathy type 6. Last evaluated: 2025-06-25. Review status: criteria provided, single submitter. Criteria: Invitae Variant Classification Sherloc (09022015). Collection method: clinical testing. Allele origin: germline.

Women's Health and Genetics/Laboratory Corporation of America, LabCorp
Classification: Likely benign. Last evaluated: 2025-04-01. Review status: criteria provided, single submitter. Criteria: LabCorp Variant Classification Summary - May 2015. Collection method: clinical testing. Allele origin: germline.

PreventionGenetics, part of Exact Sciences
Classification: Likely benign for DST-related condition. Last evaluated: 2025-02-20. Review status: criteria provided, single submitter. Criteria: ACMG Guidelines, 2015. Collection method: clinical testing. Allele origin: germline.
Comment: This variant is classified as likely benign based on ACMG/AMP sequence variant interpretation guidelines (Richards et al. 2015 PMID: 25741868, with internal and published modifications).